The following is an entry in ClinVar:

ClinVar aggregate classification (germline): Pathogenic (1 of 4 stars; one submission).

Conditions:
Familial thoracic aortic aneurysm and aortic dissection (TAAD). Also called: Thoracic aortic aneurysms and dissections. Identifiers: Orphanet 91387, MedGen C4707243, MONDO:0019625.
Marfan syndrome (MFS). Also called: MARFAN SYNDROME, TYPE I; Marfan syndrome type 1; Marfan's syndrome; Marfan syndrome, classic; FBN1-Related Marfan Syndrome. Identifiers: Orphanet 284963, Orphanet 558, MedGen C0024796, MONDO:0007947, OMIM 154700.

Submission:

Labcorp Genetics (formerly Invitae), Labcorp
Classification: Pathogenic for Marfan syndrome; Familial thoracic aortic aneurysm and aortic dissection. Last evaluated: 2022-03-31. Review status: criteria provided, single submitter. Criteria: Invitae Variant Classification Sherloc (09022015). Collection method: clinical testing. Allele origin: germline.
Comment: This sequence change replaces leucine, which is neutral and non-polar, with proline, which is neutral and non-polar, at codon 879 of the FBN1 protein (p.Leu879Pro). This variant is not present in population databases (gnomAD no frequency). This missense change has been observed in individual(s) with clinical features of FBN1-related conditions (Invitae). In at least one individual the variant was observed to be de novo. Advanced modeling of protein sequence and biophysical properties (such as structural, functional, and spatial information, amino acid conservation, physicochemical variation, residue mobility, and thermodynamic stability) performed at Invitae indicates that this missense variant is expected to disrupt FBN1 protein function. For these reasons, this variant has been classified as Pathogenic.

NM_000138.5(FBN1):c.2636T>C (p.Leu879Pro)

Gene: FBN1 (fibrillin 1; minus strand). Cytogenetic location: 15q21.1.
Variant type: single nucleotide variant.
Coding change: c.2636T>C on transcript NM_000138.5 (MANE Select); coding-DNA position 2636, T replaced by C.
Protein change: p.Leu879Pro; replaces leucine 879 with proline.
Molecular consequence: missense variant.
Genome position (GRCh38, 1-based): chr15:48,495,164, A>G on the plus strand (T>C on the coding strand, the complement: FBN1 is on the minus strand). VCF-style: chr15-48495164-A-G. GRCh37 (hg19) VCF-style: chr15-48787361-A-G.
Other names: c.2636T>C, p.Leu879Pro (NM_001406716.1); short protein forms L879P.
Identifiers: ClinVar variation 2088229 (VCV002088229.4), dbSNP rs2043595042, ClinGen allele CA392332228.